The following is an entry in ClinVar:

NM_001374736.1(DST):c.15854C>T (p.Ser5285Phe)

Gene: DST (dystonin; minus strand). Cytogenetic location: 6p12.1.
Variant type: single nucleotide variant.
Coding change: c.15854C>T on transcript NM_001374736.1 (MANE Select); coding-DNA position 15854, C replaced by T.
Protein change: p.Ser5285Phe; replaces serine 5285 with phenylalanine.
Molecular consequence: missense variant.
Genome position (GRCh38, 1-based): chr6:56,552,938, G>A on the plus strand (C>T on the coding strand, the complement: DST is on the minus strand). VCF-style: chr6-56552938-G-A. GRCh37 (hg19) VCF-style: chr6-56417736-G-A.
Other names: c.9497C>T, p.Ser3166Phe (NM_001144769.5); c.9083C>T, p.Ser3028Phe (NM_001144770.2); c.15854C>T, p.Ser5285Phe (NM_001374722.1); c.15221C>T, p.Ser5074Phe (NM_001374729.1); c.8963C>T, p.Ser2988Phe (NM_001374730.1, NM_001386100.1, NM_183380.4); c.15881C>T, p.Ser5294Phe (NM_001374734.1); c.7985C>T, p.Ser2662Phe (NM_015548.5); short protein forms S3028F, S3166F, S2662F, S2988F, S5074F, S5285F, S5294F.
Identifiers: ClinVar variation 1407624 (VCV001407624.6), dbSNP rs1262004960, ClinGen allele CA364515676.

ClinVar aggregate classification (germline): Uncertain significance (1 of 4 stars; one submission).

Conditions:
Hereditary sensory and autonomic neuropathy type 6. Also called: Neuropathy, hereditary sensory and autonomic, type VI; HSAN VI. Identifiers: Orphanet 314381, MedGen C3539003, MONDO:0013839, OMIM 614653.
Epidermolysis bullosa simplex 3, localized or generalized intermediate, with BP230 deficiency (EBS3). Also called: Epidermolysis bullosa simplex, autosomal recessive 2; Epidermolysis bullosa simplex due to BP230 deficiency. Identifiers: Orphanet 412181, MedGen C3809470, MONDO:0014180, OMIM 615425.

gnomAD v4.1: 8 of 1,613,988 alleles (0.0005%); highest among the groups gnomAD compares: Non-Finnish European, 0.00068%; no homozygotes.

Submission:

Labcorp Genetics (formerly Invitae), Labcorp
Classification: Uncertain significance for Epidermolysis bullosa simplex 3, localized or generalized intermediate, with BP230 deficiency; Hereditary sensory and autonomic neuropathy type 6. Last evaluated: 2021-09-29. Review status: criteria provided, single submitter. Criteria: Invitae Variant Classification Sherloc (09022015). Collection method: clinical testing. Allele origin: germline.
Comment: This sequence change replaces serine with phenylalanine at codon 2662 of the DST protein (p.Ser2662Phe). The DST gene has multiple clinically relevant transcripts. This variant occurs in alternate transcript NM_015548.4, and corresponds to NM_001723.5:c.*62579C>T in the primary transcript. In summary, the available evidence is currently insufficient to determine the role of this variant in disease. Therefore, it has been classified as a Variant of Uncertain Significance. Experimental studies and prediction algorithms are not available or were not evaluated, and the functional significance of this variant is currently unknown. This variant has not been reported in the literature in individuals affected with DST-related conditions. This variant is not present in population databases (ExAC no frequency).